The following is an entry in ClinVar:

ClinVar aggregate classification (germline): Uncertain significance. Review status: criteria provided, multiple submitters, no conflicts (2 of 4 stars). 2 submissions from 2 submitters: Uncertain significance (2). Last evaluated 2024-03-27.

Conditions:
RASopathy. Also called: Noonan spectrum disorder; rasopathies. Identifiers: Orphanet 536391, MedGen C5555857, MONDO:0021060.

Allele frequency attached by ClinVar (database versions not stated): gnomAD exomes below 0.00001; gnomAD 0.00002; TOPMed 0.00002.
gnomAD v4.1: 6 of 1,600,304 alleles (0.00037%); highest among the groups gnomAD compares: South Asian, 0.0023%; no homozygotes.

Submissions (2):

Labcorp Genetics (formerly Invitae), Labcorp
Classification: Uncertain significance for RASopathy. Last evaluated: 2024-03-27. Review status: criteria provided, single submitter. Criteria: Invitae Variant Classification Sherloc (09022015). Collection method: clinical testing. Allele origin: germline.
Comment: This sequence change replaces glycine, which is neutral and non-polar, with serine, which is neutral and polar, at codon 152 of the MAP2K2 protein (p.Gly152Ser). This variant is not present in population databases (gnomAD no frequency). This variant has not been reported in the literature in individuals affected with MAP2K2-related conditions. ClinVar contains an entry for this variant (Variation ID: 423276). Advanced modeling of protein sequence and biophysical properties (such as structural, functional, and spatial information, amino acid conservation, physicochemical variation, residue mobility, and thermodynamic stability) has been performed at Invitae for this missense variant, however the output from this modeling did not meet the statistical confidence thresholds required to predict the impact of this variant on MAP2K2 protein function. In summary, the available evidence is currently insufficient to determine the role of this variant in disease. Therefore, it has been classified as a Variant of Uncertain Significance.

GeneDx
Classification: Uncertain significance. Last evaluated: 2022-05-04. Review status: criteria provided, single submitter. Criteria: GeneDx Variant Classification Process June 2021. Collection method: clinical testing. Allele origin: germline. Affected: yes.
Comment: Not observed at significant frequency in large population cohorts (gnomAD); Missense variants in this gene are often considered pathogenic (HGMD); In silico analysis supports that this missense variant has a deleterious effect on protein structure/function; This variant is associated with the following publications: (PMID: 22558107)

NM_030662.4(MAP2K2):c.454G>A (p.Gly152Ser)

Gene: MAP2K2 (mitogen-activated protein kinase kinase 2; minus strand). Cytogenetic location: 19p13.3.
Variant type: single nucleotide variant.
Coding change: c.454G>A on transcript NM_030662.4 (MANE Select); coding-DNA position 454, G replaced by A.
Protein change: p.Gly152Ser; replaces glycine 152 with serine.
Molecular consequence: missense variant.
Genome position (GRCh38, 1-based): chr19:4,102,450, C>T on the plus strand (G>A on the coding strand, the complement: MAP2K2 is on the minus strand). VCF-style: chr19-4102450-C-T. GRCh37 (hg19) VCF-style: chr19-4102448-C-T.
Other names: short protein forms G152S.
Identifiers: ClinVar variation 423276 (VCV000423276.6), dbSNP rs910514546, ClinGen allele CA16620851.
Genomic context (GRCh38, chr19:4,102,450, plus strand): 5'-TCCCCAGGATCTCCTCGGGAATCCTCTTGGCCTCTTTCAGCACCTGGTCCAGGGAGCCGC[C>T]GTCCTAGAGGGCACACAAGGAGTGAGTGCAGGCTCTGCGCAGGTGGCCGGGAAGCCACGG-3'
Protein context (NP_109587.1, residues 142-162): EISICMEHMD[Gly152Ser]GSLDQVLKEA